The following is an entry in ClinVar:

NM_001128840.3(CACNA1D):c.2737T>G (p.Ser913Ala)

Gene: CACNA1D (calcium voltage-gated channel subunit alpha1 D; plus strand). Cytogenetic location: 3p21.1.
Variant type: single nucleotide variant.
Coding change: c.2737T>G on transcript NM_001128840.3 (MANE Select); coding-DNA position 2737, T replaced by G.
Protein change: p.Ser913Ala; replaces serine 913 with alanine.
Molecular consequence: missense variant.
Genome position (GRCh38, 1-based): chr3:53,735,489, T>G. VCF-style: chr3-53735489-T-G. GRCh37 (hg19) VCF-style: chr3-53769516-T-G.
Other names: c.2797T>G, p.Ser933Ala (NM_000720.4); c.2737T>G, p.Ser913Ala (NM_001128839.3); short protein forms S913A, S933A.
Identifiers: ClinVar variation 4744583 (VCV004744583.1).

ClinVar aggregate classification (germline): Uncertain significance (1 of 4 stars; one submission).

Submission:

Labcorp Genetics (formerly Invitae), Labcorp
Classification: Uncertain significance. Last evaluated: 2025-11-23. Review status: criteria provided, single submitter. Criteria: Invitae Variant Classification Sherloc (09022015). Collection method: clinical testing. Allele origin: germline.
Comment: This sequence change replaces serine, which is neutral and polar, with alanine, which is neutral and non-polar, at codon 933 of the CACNA1D protein (p.Ser933Ala). This variant is not present in population databases (gnomAD no frequency). This variant has not been reported in the literature in individuals affected with CACNA1D-related conditions. Invitae Evidence Modeling of protein sequence and biophysical properties (such as structural, functional, and spatial information, amino acid conservation, physicochemical variation, residue mobility, and thermodynamic stability) indicates that this missense variant is not expected to disrupt CACNA1D protein function with a negative predictive value of 80%. In summary, the available evidence is currently insufficient to determine the role of this variant in disease. Therefore, it has been classified as a Variant of Uncertain Significance.